The following is an entry in ClinVar:

NM_000135.4(FANCA):c.691G>T (p.Ala231Ser)

Gene: FANCA (FA complementation group A; minus strand). Cytogenetic location: 16q24.3.
Variant type: single nucleotide variant.
Coding change: c.691G>T on transcript NM_000135.4 (MANE Select); coding-DNA position 691, G replaced by T.
Protein change: p.Ala231Ser; replaces alanine 231 with serine.
Molecular consequence: missense variant.
Genome position (GRCh38, 1-based): chr16:89,805,298, C>A on the plus strand (G>T on the coding strand, the complement: FANCA is on the minus strand). VCF-style: chr16-89805298-C-A. GRCh37 (hg19) VCF-style: chr16-89871706-C-A.
Other names: c.691G>T, p.Ala231Ser (NM_001018112.3, NM_001286167.3); c.595G>T, p.Ala199Ser (NM_001351830.2); short protein forms A231S, A199S.
Identifiers: ClinVar variation 852417 (VCV000852417.10), dbSNP rs746814384, ClinGen allele CA8252856.

ClinVar aggregate classification (germline): Uncertain significance. Review status: criteria provided, multiple submitters, no conflicts (2 of 4 stars). 4 submissions from 4 submitters: Uncertain significance (3). 1 of the submissions does not count toward it. Last evaluated 2025-11-20.

Conditions:
Fanconi anemia (FA). Also called: Fanconi's anemia. Identifiers: Orphanet 84, MedGen C0015625, MeSH D005199, MONDO:0019391.
Fanconi anemia complementation group A (FANCA). Also called: Fanconi anemia, group A; FANCA-Related Fanconi Anemia. Identifiers: Orphanet 84, MedGen C3469521, MONDO:0009215, OMIM 227650.
Inborn genetic diseases. Identifiers: MedGen C0950123, MeSH D030342.

Allele frequency attached by ClinVar (database versions not stated): ExAC 0.00001; TOPMed 0.00002.
gnomAD v4.1: 19 of 1,613,510 alleles (0.0012%); highest among the groups gnomAD compares: Non-Finnish European, 0.0016%; no homozygotes.

Submissions (4):

Ambry Genetics
Classification: Uncertain significance for Inborn genetic diseases. Last evaluated: 2025-11-20. Review status: criteria provided, single submitter. Criteria: Ambry Variant Classification Scheme 2023. Collection method: clinical testing. Allele origin: germline.

Labcorp Genetics (formerly Invitae), Labcorp
Classification: Uncertain significance for Fanconi anemia. Last evaluated: 2021-09-15. Review status: criteria provided, single submitter. Criteria: Invitae Variant Classification Sherloc (09022015). Collection method: clinical testing. Allele origin: germline.
Comment: This sequence change replaces alanine with serine at codon 231 of the FANCA protein (p.Ala231Ser). The alanine residue is weakly conserved and there is a moderate physicochemical difference between alanine and serine. This variant is present in population databases (rs746814384, ExAC 0.002%). This variant has not been reported in the literature in individuals affected with FANCA-related conditions. Algorithms developed to predict the effect of missense changes on protein structure and function are either unavailable or do not agree on the potential impact of this missense change (SIFT: "Tolerated"; PolyPhen-2: "Possibly Damaging"; Align-GVGD: "Class C0"). In summary, the available evidence is currently insufficient to determine the role of this variant in disease. Therefore, it has been classified as a Variant of Uncertain Significance.

Mayo Clinic Laboratories, Mayo Clinic
Classification: Uncertain significance. Last evaluated: 2019-10-17. Review status: criteria provided, single submitter. Criteria: ACMG Guidelines, 2015. Collection method: clinical testing. Allele origin: germline. Observed: 1 variant allele.

Natera, Inc.
Classification: Uncertain significance for Fanconi anemia, group A. Last evaluated: 2020-01-24. Review status: no assertion criteria provided. Collection method: clinical testing. Allele origin: germline. Not counted in ClinVar's aggregate classification.